The following is an entry in ClinVar:

ClinVar aggregate classification (germline): Uncertain significance (1 of 4 stars; one submission).

Conditions:
Hereditary cancer-predisposing syndrome. Also called: Neoplastic Syndromes, Hereditary; Tumor predisposition; Hereditary Cancer Syndrome; Hereditary neoplastic syndrome. Identifiers: Orphanet 140162, MedGen C0027672, MeSH D009386, MONDO:0015356.

Submission:

Ambry Genetics
Classification: Uncertain significance for Hereditary cancer-predisposing syndrome. Last evaluated: 2026-06-13. Review status: criteria provided, single submitter. Criteria: Ambry Variant Classification Scheme 2023. Collection method: clinical testing. Allele origin: germline.
Comment: The p.I1197S variant (also known as c.3590T>G), located in coding exon 29 of the TSC2 gene, results from a T to G substitution at nucleotide position 3590. The isoleucine at codon 1197 is replaced by serine, an amino acid with dissimilar properties. This amino acid position is conserved. In addition, this alteration is predicted to be deleterious by in silico analysis. Based on the available evidence, the clinical significance of this variant remains unclear.

NM_000548.5(TSC2):c.3590T>G (p.Ile1197Ser)

Gene: TSC2 (TSC complex subunit 2; plus strand). Cytogenetic location: 16p13.3.
Variant type: single nucleotide variant.
Coding change: c.3590T>G on transcript NM_000548.5 (MANE Select); coding-DNA position 3590, T replaced by G.
Protein change: p.Ile1197Ser; replaces isoleucine 1197 with serine.
Molecular consequence: missense variant. On other transcripts: non-coding transcript variant (5).
Genome position (GRCh38, 1-based): chr16:2,080,357, T>G. VCF-style: chr16-2080357-T-G. GRCh37 (hg19) VCF-style: chr16-2130358-T-G.
Other names: c.3461T>G, p.Ile1154Ser (NM_001370405.1, NM_001363528.2, NM_021055.3); c.3587T>G, p.Ile1196Ser (NM_001406663.1, NM_001406664.1); c.3458T>G, p.Ile1153Ser (NM_001406665.1, NM_001077183.3, NM_001370404.1); c.3551T>G, p.Ile1184Ser (NM_001406667.1); c.3548T>G, p.Ile1183Ser (NM_001406668.1); c.3479T>G, p.Ile1160Ser (NM_001406670.1); c.3449T>G, p.Ile1150Ser (NM_001406671.1); c.3446T>G, p.Ile1149Ser (NM_001406673.1); and 18 more; short protein forms I1000S, I1104S, I1105S, I1116S, I1117S, I1134S, I1147S, I1148S.
Identifiers: ClinVar variation 4866144 (VCV004866144.1).
Genomic context (GRCh38, chr16:2,080,357, plus strand): 5'-TGCAGGAGAAGACGAACCTGGCGGCCTATGTGCCCCTGCTGACCCAGGGCTGGGCGGAGA[T>G]CCTGGTCCGGAGGCCCACAGGTACTGGGCGGGGCTGGCCTGAGCGCCATCTTTCTGCCAG-3'
Protein context (NP_000539.2, residues 1187-1207): VPLLTQGWAE[Ile1197Ser]LVRRPTGNTS